The following is an entry in ClinVar:

ClinVar aggregate classification (germline): Uncertain significance. Review status: criteria provided, multiple submitters, no conflicts (2 of 4 stars). 2 submissions from 2 submitters: Uncertain significance (2). Last evaluated 2023-06-12.

Allele frequency attached by ClinVar (database versions not stated): TOPMed below 0.00001; gnomAD 0.00001.
gnomAD v4.1: 4 of 1,613,938 alleles (0.00025%); highest among the groups gnomAD compares: Admixed American, 0.005%; no homozygotes.

Submissions (2):

GeneDx
Classification: Uncertain significance. Last evaluated: 2023-06-12. Review status: criteria provided, single submitter. Criteria: GeneDx Variant Classification Process June 2021. Collection method: clinical testing. Allele origin: germline. Affected: yes.
Comment: Not observed at significant frequency in large population cohorts (gnomAD); In silico analysis supports that this missense variant has a deleterious effect on protein structure/function; Has not been previously published as pathogenic or benign to our knowledge; This variant is associated with the following publications: (PMID: 25251670, 35106950)

Labcorp Genetics (formerly Invitae), Labcorp
Classification: Uncertain significance. Last evaluated: 2022-03-12. Review status: criteria provided, single submitter. Criteria: Invitae Variant Classification Sherloc (09022015). Collection method: clinical testing. Allele origin: germline.
Comment: This sequence change replaces valine, which is neutral and non-polar, with alanine, which is neutral and non-polar, at codon 97 of the SLC26A4 protein (p.Val97Ala). This variant is present in population databases (no rsID available, gnomAD 0.003%). This variant has not been reported in the literature in individuals affected with SLC26A4-related conditions. Algorithms developed to predict the effect of missense changes on protein structure and function are either unavailable or do not agree on the potential impact of this missense change (SIFT: "Deleterious"; PolyPhen-2: "Probably Damaging"; Align-GVGD: "Class C0"). In summary, the available evidence is currently insufficient to determine the role of this variant in disease. Therefore, it has been classified as a Variant of Uncertain Significance.

NM_000441.2(SLC26A4):c.290T>C (p.Val97Ala)

Gene: SLC26A4 (solute carrier family 26 member 4; plus strand). Cytogenetic location: 7q22.3.
Variant type: single nucleotide variant.
Coding change: c.290T>C on transcript NM_000441.2 (MANE Select); coding-DNA position 290, T replaced by C.
Protein change: p.Val97Ala; replaces valine 97 with alanine.
Molecular consequence: missense variant.
Genome position (GRCh38, 1-based): chr7:107,663,421, T>C. VCF-style: chr7-107663421-T-C. GRCh37 (hg19) VCF-style: chr7-107303866-T-C.
Other names: c.290T>C (NM_000441.1); short protein forms V97A.
Identifiers: ClinVar variation 2166819 (VCV002166819.2), dbSNP rs1223360265, ClinGen allele CA368845767.